The following is an entry in ClinVar:

ClinVar aggregate classification (germline): Uncertain significance (1 of 4 stars; one submission).

Conditions:
Cardiovascular phenotype. Identifiers: MedGen CN230736.
Hereditary cancer-predisposing syndrome. Also called: Neoplastic Syndromes, Hereditary; Tumor predisposition; Hereditary Cancer Syndrome; Hereditary neoplastic syndrome. Identifiers: Orphanet 140162, MedGen C0027672, MeSH D009386, MONDO:0015356.

gnomAD v4.1: 1 of 1,614,138 alleles (0.000062%); highest among the groups gnomAD compares: Non-Finnish European, 0.000085%; no homozygotes.

Submission:

Ambry Genetics
Classification: Uncertain significance for Cardiovascular phenotype; Hereditary cancer-predisposing syndrome. Last evaluated: 2026-03-30. Review status: criteria provided, single submitter. Criteria: Ambry Variant Classification Scheme 2023. Collection method: clinical testing. Allele origin: germline.
Comment: The p.S1159N variant (also known as c.3476G>A), located in coding exon 26 of the NF1 gene, results from a G to A substitution at nucleotide position 3476. The serine at codon 1159 is replaced by asparagine, an amino acid with highly similar properties. This amino acid position is highly conserved in available vertebrate species. In addition, this alteration is predicted to be tolerated by in silico analysis. Based on the available evidence, the clinical significance of this variant remains unclear.

NM_001042492.3(NF1):c.3476G>A (p.Ser1159Asn)

Gene: NF1 (neurofibromin 1; plus strand). Cytogenetic location: 17q11.2.
Variant type: single nucleotide variant.
Coding change: c.3476G>A on transcript NM_001042492.3 (MANE Select); coding-DNA position 3476, G replaced by A.
Protein change: p.Ser1159Asn; replaces serine 1159 with asparagine.
Molecular consequence: missense variant.
Genome position (GRCh38, 1-based): chr17:31,232,861, G>A. VCF-style: chr17-31232861-G-A. GRCh37 (hg19) VCF-style: chr17-29559879-G-A.
Other names: c.3476G>A, p.Ser1159Asn (NM_000267.4); short protein forms S1159N.
Identifiers: ClinVar variation 4860884 (VCV004860884.1).